The following is an entry in ClinVar:

ClinVar aggregate classification (germline): Uncertain significance (1 of 4 stars; one submission).

gnomAD v4.1: 1 of 1,612,038 alleles (0.000062%); highest among the groups gnomAD compares: Non-Finnish European, 0.000085%; no homozygotes.

Submission:

Ambry Genetics
Classification: Uncertain significance. Last evaluated: 2023-03-23. Review status: criteria provided, single submitter. Criteria: Ambry Variant Classification Scheme 2023. Collection method: clinical testing. Allele origin: germline.
Comment: The p.N1071Y variant (also known as c.3211A>T), located in coding exon 27 of the PRKDC gene, results from an A to T substitution at nucleotide position 3211. The asparagine at codon 1071 is replaced by tyrosine, an amino acid with dissimilar properties. This amino acid position is conserved. In addition, the in silico prediction for this alteration is inconclusive. Since supporting evidence is limited at this time, the clinical significance of this alteration remains unclear.

NM_006904.7(PRKDC):c.3211A>T (p.Asn1071Tyr)

Gene: PRKDC (protein kinase, DNA-activated, catalytic subunit; minus strand). Cytogenetic location: 8q11.21.
Variant type: single nucleotide variant.
Coding change: c.3211A>T on transcript NM_006904.7 (MANE Select); coding-DNA position 3211, A replaced by T.
Protein change: p.Asn1071Tyr; replaces asparagine 1071 with tyrosine.
Molecular consequence: missense variant.
Genome position (GRCh38, 1-based): chr8:47,902,627, T>A on the plus strand (A>T on the coding strand, the complement: PRKDC is on the minus strand). VCF-style: chr8-47902627-T-A. GRCh37 (hg19) VCF-style: chr8-48815187-T-A.
Other names: c.3211A>T, p.Asn1071Tyr (NM_001081640.2); short protein forms N1071Y.
Identifiers: ClinVar variation 2564503 (VCV002564503.2), dbSNP rs1448253880, ClinGen allele CA371156651.
Genomic context (GRCh38, chr8:47,902,627, plus strand): 5'-ACCTGAATTCCCTGTAGATATTATTAAAGGCAAGTGATGCTCCCAGCCTCTTGAAAGCAT[T>A]GGGGTGAAGCGCAAGGCTATAAAGTCGCTTGAAAAGCGATTTGGTGTTTACTGGACTCTT-3'
Protein context (NP_008835.5, residues 1061-1081): KRLYSLALHP[Asn1071Tyr]AFKRLGASLA